The following is an entry in ClinVar:

NM_001363711.2(DUOX2):c.1946C>T (p.Ala649Val)

Gene: DUOX2 (dual oxidase 2; minus strand). Cytogenetic location: 15q21.1.
Variant type: single nucleotide variant.
Coding change: c.1946C>T on transcript NM_001363711.2 (MANE Select); coding-DNA position 1946, C replaced by T.
Protein change: p.Ala649Val; replaces alanine 649 with valine.
Molecular consequence: missense variant.
Genome position (GRCh38, 1-based): chr15:45,106,327, G>A on the plus strand (C>T on the coding strand, the complement: DUOX2 is on the minus strand). VCF-style: chr15-45106327-G-A. GRCh37 (hg19) VCF-style: chr15-45398525-G-A.
Other names: c.1946C>T, p.Ala649Val (NM_014080.5); short protein forms A649V.
Identifiers: ClinVar variation 1935396 (VCV001935396.3), dbSNP rs748793969, ClinGen allele CA7538417.

ClinVar aggregate classification (germline): Uncertain significance (1 of 4 stars; one submission).

Allele frequency attached by ClinVar (database versions not stated): TOPMed below 0.00001.
gnomAD v4.1: 20 of 1,613,840 alleles (0.0012%); highest among the groups gnomAD compares: Middle Eastern, 0.066%; no homozygotes.

Submission:

Labcorp Genetics (formerly Invitae), Labcorp
Classification: Uncertain significance. Last evaluated: 2025-08-03. Review status: criteria provided, single submitter. Criteria: Invitae Variant Classification Sherloc (09022015). Collection method: clinical testing. Allele origin: germline.
Comment: This sequence change replaces alanine, which is neutral and non-polar, with valine, which is neutral and non-polar, at codon 649 of the DUOX2 protein (p.Ala649Val). This variant is present in population databases (rs748793969, gnomAD 0.006%). This variant has not been reported in the literature in individuals affected with DUOX2-related conditions. ClinVar contains an entry for this variant (Variation ID: 1935396). An algorithm developed to predict the effect of missense changes on protein structure and function outputs the following: PolyPhen-2: "Benign". The valine amino acid residue is found in multiple mammalian species, which suggests that this missense change does not adversely affect protein function. This variant disrupts the p.Ala649 amino acid residue in DUOX2. Other variant(s) that disrupt this residue have been determined to be pathogenic (PMID: 18765513, 26709262, 27821020, 32459320, 34564849). This suggests that this residue is clinically significant, and that variants that disrupt this residue are likely to be disease-causing. In summary, the available evidence is currently insufficient to determine the role of this variant in disease. Therefore, it has been classified as a Variant of Uncertain Significance.

Literature cited by the submitters: PubMed 18765513; PubMed 26709262; PubMed 27821020; PubMed 32459320; PubMed 34564849.